The following is an entry in ClinVar:

NM_001003694.2(BRPF1):c.1722+1G>A

Gene: BRPF1 (bromodomain and PHD finger containing 1; plus strand). Cytogenetic location: 3p25.3.
Variant type: single nucleotide variant.
Coding change: c.1722+1G>A on transcript NM_001003694.2 (MANE Select); the canonical splice donor site of the intron after coding-DNA position 1722, G replaced by A.
Molecular consequence: splice donor variant.
Genome position (GRCh38, 1-based): chr3:9,740,942, G>A. VCF-style: chr3-9740942-G-A. GRCh37 (hg19) VCF-style: chr3-9782626-G-A.
Other names: c.1722+1G>A (NM_001410704.1, NM_004634.3, NM_001319049.2 and 1 more transcripts).
Identifiers: ClinVar variation 2243315 (VCV002243315.2), dbSNP rs2471482223, ClinGen allele CA351690565.
Genomic context (GRCh38, chr3:9,740,942, plus strand): 5'-CCATTGCTACGTCGCCTGCAGACACACCTGCAATCTCAGAGGAACTGTGACCAAGTTGGG[G>A]TACTGTGTCCAGTTCCCTGTGGGCTCTGGGAACTAGCGCCAGGGGGACGAAAACCAAAAT-3'

ClinVar aggregate classification (germline): Uncertain significance (1 of 4 stars; one submission).

Conditions:
Inborn genetic diseases. Identifiers: MedGen C0950123, MeSH D030342.

Submission:

Ambry Genetics
Classification: Uncertain significance for Inborn genetic diseases. Last evaluated: 2021-08-23. Review status: criteria provided, single submitter. Criteria: Ambry Variant Classification Scheme 2023. Collection method: clinical testing. Allele origin: germline.
Comment: The c.1722+1G>A intronic alteration consists of a G to A substitution one nucleotide after exon 4 (coding exon 3) of the BRPF1 gene. Alterations that disrupt the canonical splice donor site are typically deleterious in nature (Richards, 2015). Based on insufficient or conflicting evidence, the clinical significance of this alteration remains unclear.